The following is an entry in ClinVar:

NM_015662.3(IFT172):c.3622C>T (p.Arg1208Trp)

Genes: IFT172 (intraflagellar transport 172; minus strand), LOC126806173 (BRD4-independent group 4 enhancer GRCh37_chr2:27676057-27677256; plus strand). Cytogenetic location: 2p23.3.
Variant type: single nucleotide variant.
Coding change: c.3622C>T on transcript NM_015662.3 (MANE Select); coding-DNA position 3622, C replaced by T.
Protein change: p.Arg1208Trp; replaces arginine 1208 with tryptophan.
Molecular consequence: missense variant.
Genome position (GRCh38, 1-based): chr2:27,454,071, G>A on the plus strand (C>T on the coding strand, the complement: IFT172 is on the minus strand). VCF-style: chr2-27454071-G-A. GRCh37 (hg19) VCF-style: chr2-27676938-G-A.
Other names: short protein forms R1208W.
Identifiers: ClinVar variation 1476204 (VCV001476204.10), dbSNP rs779395435, ClinGen allele CA1579917.

ClinVar aggregate classification (germline): Uncertain significance. Review status: criteria provided, multiple submitters, no conflicts (2 of 4 stars). 4 submissions from 4 submitters: Uncertain significance (4). Last evaluated 2024-02-14.

Conditions:
Retinal dystrophy. Also called: Inherited retinal dystrophy. Identifiers: Orphanet 71862, MedGen C0854723, MeSH D058499, MONDO:0019118, HP:0000556.
Retinitis pigmentosa 71 (RP71). Identifiers: Orphanet 791, MedGen C4225342, MONDO:0014618, OMIM 616394.
Short-rib thoracic dysplasia 10 with or without polydactyly (SRTD10). Identifiers: Orphanet 474, MedGen C3810175, MONDO:0014284, OMIM 615630.
Bardet-Biedl syndrome 20. Identifiers: MedGen C4310707, MONDO:0023670, OMIM 619471, MONDO:0014926.

Allele frequency attached by ClinVar (database versions not stated): ExAC 0.00001; gnomAD exomes 0.00001; TOPMed 0.00001.
gnomAD v4.1: 11 of 1,614,082 alleles (0.00068%); highest among the groups gnomAD compares: East Asian, 0.022%; no homozygotes.

Submissions (4):

Fulgent Genetics
Classification: Uncertain significance for Short-rib thoracic dysplasia 10 with or without polydactyly; Retinitis pigmentosa 71; Bardet-Biedl syndrome 20. Last evaluated: 2024-02-14. Review status: criteria provided, single submitter. Criteria: ACMG Guidelines, 2015. Collection method: clinical testing. Allele origin: germline.

Dept Of Ophthalmology, Nagoya University
Classification: Uncertain significance for Retinal dystrophy. Last evaluated: 2023-10-01. Review status: criteria provided, single submitter. Criteria: Submitter's publication. Collection method: research. Allele origin: germline. Affected: yes.

Labcorp Genetics (formerly Invitae), Labcorp
Classification: Uncertain significance for Retinitis pigmentosa 71; Short-rib thoracic dysplasia 10 with or without polydactyly. Last evaluated: 2021-03-10. Review status: criteria provided, single submitter. Criteria: Invitae Variant Classification Sherloc (09022015). Collection method: clinical testing. Allele origin: germline.
Comment: In summary, the available evidence is currently insufficient to determine the role of this variant in disease. Therefore, it has been classified as a Variant of Uncertain Significance. Algorithms developed to predict the effect of missense changes on protein structure and function are either unavailable or do not agree on the potential impact of this missense change (SIFT: "Deleterious"; PolyPhen-2: "Possibly Damaging"; Align-GVGD: "Class C0"). This variant has not been reported in the literature in individuals with IFT172-related conditions. This variant is present in population databases (rs779395435, ExAC 0.002%). This sequence change replaces arginine with tryptophan at codon 1208 of the IFT172 protein (p.Arg1208Trp). The arginine residue is moderately conserved and there is a moderate physicochemical difference between arginine and tryptophan.

Blueprint Genetics
Classification: Uncertain significance. Last evaluated: 2018-10-22. Review status: criteria provided, single submitter. Criteria: ACMG Guidelines, 2015. Collection method: clinical testing. Allele origin: germline.